The following is an entry in ClinVar:

NM_001267550.2(TTN):c.80322C>T (p.Ala26774=)

Genes: TTN (titin; minus strand), TTN-AS1 (TTN antisense RNA 1; plus strand). Cytogenetic location: 2q31.2.
Variant type: single nucleotide variant.
Coding change: c.80322C>T on transcript NM_001267550.2 (MANE Select); coding-DNA position 80322, C replaced by T.
Protein change: p.Ala26774=; no amino-acid change (alanine 26774 retained).
Molecular consequence: synonymous variant.
Genome position (GRCh38, 1-based): chr2:178,565,810, G>A on the plus strand (C>T on the coding strand, the complement: TTN is on the minus strand). VCF-style: chr2-178565810-G-A. GRCh37 (hg19) VCF-style: chr2-179430537-G-A.
Other names: p.A25133A:GCC>GCT; p.Ala25133=; c.75399C>T, p.Ala25133= (NM_001256850.1); c.53127C>T, p.Ala17709= (NM_003319.4); c.72618C>T, p.Ala24206= (NM_133378.4); c.53502C>T, p.Ala17834= (NM_133432.3); c.53703C>T, p.Ala17901= (NM_133437.4).
Identifiers: ClinVar variation 130682 (VCV000130682.67), dbSNP rs55892928, ClinGen allele CA289105.

ClinVar aggregate classification (germline): Conflicting classifications of pathogenicity. Review status: criteria provided, conflicting classifications (1 of 4 stars). 23 submissions from 19 submitters: Uncertain significance (1); Benign (15); Likely benign (2). 5 of the submissions do not count toward it. Last evaluated 2026-02-03.

Conditions:
TTN-related disorder. Also called: TTN-related disorders; TTN-related condition; TTN-related disease.
Cardiovascular phenotype. Identifiers: MedGen CN230736.
Dilated cardiomyopathy 1G (CMD1G). Identifiers: Orphanet 154, MedGen C1858763, MONDO:0011400, OMIM 604145.
Autosomal recessive limb-girdle muscular dystrophy type 2J (LGMDR10). Also called: Limb-girdle muscular dystrophy, type 2J; MUSCULAR DYSTROPHY, LIMB-GIRDLE, AUTOSOMAL RECESSIVE 10. Identifiers: Orphanet 140922, MedGen C1837342, MONDO:0012127, OMIM 608807.
Cardiomyopathy (CMYO). Also called: Cardiomyopathies. Identifiers: Orphanet 167848, MedGen C0878544, MONDO:0004994, HP:0001638. Inheritance: Various modes of inheritance.
Myopathy, myofibrillar, 9, with early respiratory failure (MFM9). Also called: Hereditary myopathy with early respiratory failure; MYOPATHY, PROXIMAL, WITH EARLY RESPIRATORY MUSCLE INVOLVEMENT; Myopathy, distal, with early respiratory failure, autosomal dominant; EDSTROM MYOPATHY. Identifiers: Orphanet 178464, Orphanet 34521, MedGen C1863599, MONDO:0011362, OMIM 603689.
Tibial muscular dystrophy (TMD). Also called: UDD MYOPATHY; Tibial muscular dystrophy, tardive; Udd Distal Myopathy – Tibial Muscular Dystrophy. Identifiers: Orphanet 609, MedGen C1838244, MONDO:0010870, OMIM 600334.
Early-onset myopathy with fatal cardiomyopathy (CMYO5). Also called: Salih Myopathy; CONGENITAL MYOPATHY 5 WITH CARDIOMYOPATHY. Identifiers: Orphanet 289377, MedGen C2673677, MONDO:0012714, OMIM 611705. Disease mechanism: loss of function.

Allele frequency attached by ClinVar (database versions not stated): ExAC 0.00215; gnomAD exomes 0.00084 and 0.00244; gnomAD 0.00094 and 0.00115; TOPMed 0.00240; 1000 Genomes Project 30x 0.00453; 1000 Genomes Project 0.00479.
gnomAD v4.1: 1,453 of 1,613,496 alleles (0.09%); highest among the groups gnomAD compares: East Asian, 1.6%; 9 homozygotes.

Submissions (23):

Labcorp Genetics (formerly Invitae), Labcorp
Classification: Benign for Dilated cardiomyopathy 1G; Autosomal recessive limb-girdle muscular dystrophy type 2J. Last evaluated: 2026-02-03. Review status: criteria provided, single submitter. Criteria: Invitae Variant Classification Sherloc (09022015). Collection method: clinical testing. Allele origin: germline.

Molecular Diagnostic Laboratory for Inherited Cardiovascular Disease, Montreal Heart Institute
Classification: Benign. Last evaluated: 2025-04-09. Review status: criteria provided, single submitter. Criteria: ACMG Guidelines, 2015. Collection method: clinical testing. Allele origin: germline. Affected: no.

ARUP Laboratories, Molecular Genetics and Genomics, ARUP Laboratories
Classification: Benign. Last evaluated: 2025-03-06. Review status: criteria provided, single submitter. Criteria: ARUP Molecular Germline Variant Investigation Process 2024. Collection method: clinical testing. Allele origin: germline.

Athena Diagnostics
Classification: Benign. Last evaluated: 2025-02-05. Review status: criteria provided, single submitter. Criteria: Athena Diagnostics Criteria. Collection method: clinical testing. Allele origin: unknown.
Comment: The frequency of this variant in the general population is higher than would generally be expected for pathogenic variants in this gene.

Blueprint Genetics
Classification: Likely benign. Last evaluated: 2024-11-25. Review status: criteria provided, single submitter. Criteria: ACMG Guidelines, 2015. Collection method: clinical testing. Allele origin: germline.

CeGaT Center for Human Genetics Tuebingen
Classification: Benign. Last evaluated: 2023-05-01. Review status: criteria provided, single submitter. Criteria: CeGaT Center For Human Genetics Tuebingen Variant Classification Criteria Version 2. Collection method: clinical testing. Allele origin: germline. Affected: yes. Observed: 1 variant allele.
Comment: TTN: BP4, BP7, BS1, BS2

Women's Health and Genetics/Laboratory Corporation of America, LabCorp
Classification: Benign. Last evaluated: 2021-05-23. Review status: criteria provided, single submitter. Criteria: LabCorp Variant Classification Summary - May 2015. Collection method: clinical testing. Allele origin: germline.

Mayo Clinic Laboratories, Mayo Clinic
Classification: Benign. Last evaluated: 2020-07-10. Review status: criteria provided, single submitter. Criteria: ACMG Guidelines, 2015. Collection method: clinical testing. Allele origin: germline. Observed: 6 variant alleles.

Ambry Genetics
Classification: Benign for Cardiovascular phenotype. Last evaluated: 2018-03-01. Review status: criteria provided, single submitter. Criteria: Ambry Variant Classification Scheme 2023. Collection method: clinical testing. Allele origin: germline.

Illumina Laboratory Services, Illumina
Classification: Benign for Tibial muscular dystrophy. Last evaluated: 2017-04-27. Review status: criteria provided, single submitter. Criteria: ICSL Variant Classification Criteria 13 December 2019. Collection method: clinical testing. Allele origin: germline.
Comment: This variant was observed as part of a predisposition screen in an ostensibly healthy population. A literature search was performed for the gene, cDNA change, and amino acid change (where applicable). No publications were found based on this search. Allele frequency data from public databases was too high to be consistent with this variant causing disease. Therefore, this variant is classified as benign.

Illumina Laboratory Services, Illumina
Classification: Uncertain significance for Early-onset myopathy with fatal cardiomyopathy. Last evaluated: 2017-04-27. Review status: criteria provided, single submitter. Criteria: ICSL Variant Classification Criteria 13 December 2019. Collection method: clinical testing. Allele origin: germline.

Illumina Laboratory Services, Illumina
Classification: Benign for Dilated cardiomyopathy 1G. Last evaluated: 2017-04-27. Review status: criteria provided, single submitter. Criteria: ICSL Variant Classification Criteria 13 December 2019. Collection method: clinical testing. Allele origin: germline.
Comment: the same text as in the submission from Illumina Laboratory Services, Illumina above.

Illumina Laboratory Services, Illumina
Classification: Likely benign for Autosomal recessive limb-girdle muscular dystrophy type 2J. Last evaluated: 2017-04-27. Review status: criteria provided, single submitter. Criteria: ICSL Variant Classification Criteria 13 December 2019. Collection method: clinical testing. Allele origin: germline.
Comment: This variant was observed as part of a predisposition screen in an ostensibly healthy population. A literature search was performed for the gene, cDNA change, and amino acid change (where applicable). No publications were found based on this search. Allele frequency data from public databases allowed determination this variant is unlikely to cause disease. Therefore, this variant is classified as likely benign.

Illumina Laboratory Services, Illumina
Classification: Benign for Myopathy, myofibrillar, 9, with early respiratory failure. Last evaluated: 2017-04-27. Review status: criteria provided, single submitter. Criteria: ICSL Variant Classification Criteria 13 December 2019. Collection method: clinical testing. Allele origin: germline.
Comment: the same text as in the submission from Illumina Laboratory Services, Illumina above.

CHEO Genetics Diagnostic Laboratory, Children's Hospital of Eastern Ontario
Classification: Benign for Cardiomyopathy. Last evaluated: 2016-07-19. Review status: criteria provided, single submitter. Criteria: ACMG Guidelines, 2015. Collection method: clinical testing. Allele origin: germline. Study: Canadian Open Genetics Repository.

Laboratory for Molecular Medicine, Mass General Brigham Personalized Medicine
Classification: Benign. Last evaluated: 2015-08-27. Review status: criteria provided, single submitter. Criteria: LMM Criteria. Collection method: clinical testing. Allele origin: germline. Observed: 2 variant alleles.
Comment: p.Ala24206Ala in exon 275 of TTN: This variant is not expected to have clinical significance because it does not alter an amino acid residue and is not located within the splice consensus sequence. It has been identified in 1.5% (129/8608) of East Asian chromosomes and 0.9% (103/11574) of Latino chromosomes by the Exom e Aggregation Consortium (ExAC; dbSNP rs55892928 ).

Eurofins Ntd Llc (ga)
Classification: Benign. Last evaluated: 2014-11-20. Review status: criteria provided, single submitter. Criteria: EGL Classification Definitions 2015. Collection method: clinical testing. Allele origin: germline. Observed: 2 variant alleles, 2 heterozygotes.

GeneDx
Classification: Benign. Last evaluated: 2014-06-11. Review status: criteria provided, single submitter. Criteria: GeneDx Variant Classification (06012015). Collection method: clinical testing. Allele origin: germline. Affected: yes.
Comment: This variant is considered likely benign or benign based on one or more of the following criteria: it is a conservative change, it occurs at a poorly conserved position in the protein, it is predicted to be benign by multiple in silico algorithms, and/or has population frequency not consistent with disease.

PreventionGenetics, part of Exact Sciences
Classification: Benign for TTN-related condition. Last evaluated: 2019-10-22. Review status: no assertion criteria provided. Collection method: clinical testing. Allele origin: germline. Not counted in ClinVar's aggregate classification.
Comment: This variant is classified as benign based on ACMG/AMP sequence variant interpretation guidelines (Richards et al. 2015 PMID: 25741868, with internal and published modifications).

Clinical Genetics DNA and cytogenetics Diagnostics Lab, Erasmus MC, Erasmus Medical Center
Classification: Likely benign. Review status: no assertion criteria provided. Collection method: clinical testing. Allele origin: germline. Affected: yes. Study: VKGL Data-share Consensus. Not counted in ClinVar's aggregate classification.

Clinical Genetics, Academic Medical Center
Classification: Benign. Review status: no assertion criteria provided. Collection method: clinical testing. Allele origin: germline. Affected: yes. Study: VKGL Data-share Consensus. Not counted in ClinVar's aggregate classification.

Genetic Services Laboratory, University of Chicago
Classification: Likely benign for AllHighlyPenetrant. Review status: no assertion criteria provided. Collection method: clinical testing. Allele origin: germline. Not counted in ClinVar's aggregate classification.
Comment: Likely benign based on allele frequency in 1000 Genomes Project or ESP global frequency and its presence in a patient with a rare or unrelated disease phenotype. NOT Sanger confirmed.

Laboratory of Diagnostic Genome Analysis, Leiden University Medical Center (LUMC)
Classification: Benign. Review status: no assertion criteria provided. Collection method: clinical testing. Allele origin: germline. Affected: yes. Study: VKGL Data-share Consensus. Not counted in ClinVar's aggregate classification.